The following is an entry in ClinVar:

NM_030665.4(RAI1):c.3445C>T (p.Arg1149Cys)

Gene: RAI1 (retinoic acid induced 1; plus strand). Cytogenetic location: 17p11.2.
Variant type: single nucleotide variant.
Coding change: c.3445C>T on transcript NM_030665.4 (MANE Select); coding-DNA position 3445, C replaced by T.
Protein change: p.Arg1149Cys; replaces arginine 1149 with cysteine.
Molecular consequence: missense variant.
Genome position (GRCh38, 1-based): chr17:17,796,393, C>T. VCF-style: chr17-17796393-C-T. GRCh37 (hg19) VCF-style: chr17-17699707-C-T.
Other names: c.3445C>T (NM_030665.3); short protein forms R1149C.
Identifiers: ClinVar variation 1350887 (VCV001350887.9), dbSNP rs760090522, ClinGen allele CA8418723.

ClinVar aggregate classification (germline): Conflicting classifications of pathogenicity. Review status: criteria provided, conflicting classifications (1 of 4 stars). 2 submissions from 2 submitters: Uncertain significance (1); Likely benign (1). Last evaluated 2026-09-04.

Conditions:
RAI1-related disorder. Also called: RAI1-related condition.

Allele frequency attached by ClinVar (database versions not stated): ExAC 0.00001; gnomAD exomes 0.00001; TOPMed 0.00003; gnomAD 0.00004.
gnomAD v4.1: 20 of 1,613,596 alleles (0.0012%); highest among the groups gnomAD compares: African/African-American, 0.011%; no homozygotes.

Submissions (2):

PreventionGenetics, part of Exact Sciences
Classification: Uncertain significance for RAI1-related condition. Last evaluated: 2026-09-04. Review status: criteria provided, single submitter. Criteria: ACMG Guidelines, 2015. Collection method: clinical testing. Allele origin: germline.
Comment: The RAI1 c.3445C>T variant is predicted to result in the amino acid substitution p.Arg1149Cys. This variant was reported to occur de novo and classified as a variant of uncertain significance in a fetus with increased nuchal translucency (Table S1 in Ji et al. 2023. PubMed ID: 37600658). This variant is reported in 0.0029% of alleles in individuals of Latino descent in gnomAD, which may be too common to be a primary cause of disease. Although we suspect that this variant may be benign, at this time, the clinical significance of this variant is uncertain due to the absence of conclusive functional and genetic evidence.

Labcorp Genetics (formerly Invitae), Labcorp
Classification: Likely benign. Last evaluated: 2025-03-06. Review status: criteria provided, single submitter. Criteria: Invitae Variant Classification Sherloc (09022015). Collection method: clinical testing. Allele origin: germline.